The following is an entry in ClinVar:

NM_001286.5(CLCN6):c.567C>A (p.Phe189Leu)

Gene: CLCN6 (Cl-/H+ antiporter 6; plus strand). Cytogenetic location: 1p36.22.
Variant type: single nucleotide variant.
Coding change: c.567C>A on transcript NM_001286.5 (MANE Select); coding-DNA position 567, C replaced by A.
Protein change: p.Phe189Leu; replaces phenylalanine 189 with leucine.
Molecular consequence: missense variant. On other transcripts: non-coding transcript variant (1).
Genome position (GRCh38, 1-based): chr1:11,823,820, C>A. VCF-style: chr1-11823820-C-A. GRCh37 (hg19) VCF-style: chr1-11883877-C-A.
Other names: c.501C>A, p.Phe167Leu (NM_001256959.2); short protein forms F189L, F167L.
Identifiers: ClinVar variation 2744340 (VCV002744340.3), dbSNP rs1570527638, ClinGen allele CA338427998.

ClinVar aggregate classification (germline): Uncertain significance (1 of 4 stars; one submission).

Allele frequency attached by ClinVar (database versions not stated): gnomAD exomes below 0.00001; TOPMed 0.00001.

Submission:

Labcorp Genetics (formerly Invitae), Labcorp
Classification: Uncertain significance. Last evaluated: 2025-12-13. Review status: criteria provided, single submitter. Criteria: Invitae Variant Classification Sherloc (09022015). Collection method: clinical testing. Allele origin: germline.
Comment: This sequence change replaces phenylalanine, which is neutral and non-polar, with leucine, which is neutral and non-polar, at codon 189 of the CLCN6 protein (p.Phe189Leu). This variant is not present in population databases (gnomAD no frequency). This variant has not been reported in the literature in individuals affected with CLCN6-related conditions. ClinVar contains an entry for this variant (Variation ID: 2744340). An algorithm developed to predict the effect of missense changes on protein structure and function outputs the following: PolyPhen-2: "Probably Damaging". The leucine amino acid residue is found in multiple mammalian species, which suggests that this missense change does not adversely affect protein function. In summary, the available evidence is currently insufficient to determine the role of this variant in disease. Therefore, it has been classified as a Variant of Uncertain Significance.